The following is an entry in ClinVar:

ClinVar aggregate classification (germline): Uncertain significance (1 of 4 stars; one submission).

Conditions:
Retinoblastoma (RB1). Also called: RETINOBLASTOMA, SOMATIC. Identifiers: Orphanet 790, MedGen C0035335, MeSH D012175, MONDO:0008380, OMIM 180200, HP:0009919. Disease mechanism: loss of function. Inheritance: Both sporadic and heritable forms are tested..

Submission:

Labcorp Genetics (formerly Invitae), Labcorp
Classification: Uncertain significance for Retinoblastoma. Last evaluated: 2023-06-21. Review status: criteria provided, single submitter. Criteria: Invitae Variant Classification Sherloc (09022015). Collection method: clinical testing. Allele origin: germline.
Comment: In summary, the available evidence is currently insufficient to determine the role of this variant in disease. Therefore, it has been classified as a Variant of Uncertain Significance. ClinVar contains an entry for this variant (Variation ID: 1473692). This variant has not been reported in the literature in individuals affected with RB1-related conditions. This variant is not present in population databases (gnomAD no frequency). This variant, c.513_515dup, results in the insertion of 1 amino acid(s) of the RB1 protein (p.Ile172dup), but otherwise preserves the integrity of the reading frame.

NM_000321.3(RB1):c.513_515dup (p.Ile172dup)

Gene: RB1 (RB transcriptional corepressor 1; plus strand). Cytogenetic location: 13q14.2.
Variant type: Duplication.
Coding change: c.513_515dup on transcript NM_000321.3 (MANE Select); coding-DNA positions 513 to 515, 3 bases duplicated (TAT; older notation c.513_515dupTAT).
Protein change: p.Ile172dup; duplicates isoleucine 172.
Molecular consequence: inframe insertion.
Genome position (GRCh38, 1-based): chr13:48,347,837-48,347,839, TAT duplicated; duplicating any 3 consecutive bases within chr13:48,347,836-48,347,839 gives the same sequence; the c. name uses the placement nearest the transcript's 3' end. VCF-style (leftmost placement, unchanged base first): chr13-48347835-C-CTTA. GRCh37 (hg19) VCF-style: chr13-48921971-C-CTTA.
Identifiers: ClinVar variation 1473692 (VCV001473692.6), dbSNP rs2138091572, ClinGen allele CA2573149552.